The following is an entry in ClinVar:

ClinVar aggregate classification (germline): Uncertain significance (1 of 4 stars; one submission).

Allele frequency attached by ClinVar (database versions not stated): TOPMed below 0.00001.
gnomAD v4.1: 1 of 1,614,146 alleles (0.000062%); no homozygotes.

Submission:

CeGaT Center for Human Genetics Tuebingen
Classification: Uncertain significance. Last evaluated: 2024-02-01. Review status: criteria provided, single submitter. Criteria: CeGaT Center For Human Genetics Tuebingen Variant Classification Criteria Version 2. Collection method: clinical testing. Allele origin: germline. Affected: yes. Observed: 1 variant allele.
Comment: ABCC2: PM2

NM_000392.5(ABCC2):c.1439T>C (p.Leu480Pro)

Gene: ABCC2 (ATP binding cassette subfamily C member 2; plus strand). Cytogenetic location: 10q24.2.
Variant type: single nucleotide variant.
Coding change: c.1439T>C on transcript NM_000392.5 (MANE Select); coding-DNA position 1439, T replaced by C.
Protein change: p.Leu480Pro; replaces leucine 480 with proline.
Molecular consequence: missense variant.
Genome position (GRCh38, 1-based): chr10:99,804,248, T>C. VCF-style: chr10-99804248-T-C. GRCh37 (hg19) VCF-style: chr10-101564005-T-C.
Other names: short protein forms L480P.
Identifiers: ClinVar variation 3025921 (VCV003025921.22), dbSNP rs947250555, ClinGen allele CA212836091.